The following is an entry in ClinVar:

NM_181534.4(KRT25):c.243G>A (p.Val81=)

Gene: KRT25 (keratin 25; minus strand). Cytogenetic location: 17q21.2.
Variant type: single nucleotide variant.
Coding change: c.243G>A on transcript NM_181534.4 (MANE Select); coding-DNA position 243, G replaced by A.
Protein change: p.Val81=; no amino-acid change (valine 81 retained).
Molecular consequence: synonymous variant.
Genome position (GRCh38, 1-based): chr17:40,755,029, C>T on the plus strand (G>A on the coding strand, the complement: KRT25 is on the minus strand). VCF-style: chr17-40755029-C-T. GRCh37 (hg19) VCF-style: chr17-38911281-C-T.
Identifiers: ClinVar variation 738161 (VCV000738161.8), dbSNP rs139223285, ClinGen allele CA8546439.

ClinVar aggregate classification (germline): Benign. Review status: criteria provided, single submitter (1 of 4 stars). 2 submissions from 2 submitters: Benign (1). 1 of the submissions does not count toward it. Last evaluated 2024-09-16.

Conditions:
KRT25-related disorder. Also called: KRT25-related condition.

Allele frequency attached by ClinVar (database versions not stated): TOPMed 0.00086; gnomAD exomes 0.00008 and 0.00021; ExAC 0.00025; 1000 Genomes Project 30x 0.00062; ESP Exome Variant Server 0.00100; gnomAD 0.00075 and 0.00081; 1000 Genomes Project 0.00080.
gnomAD v4.1: 240 of 1,614,186 alleles (0.015%); highest among the groups gnomAD compares: African/African-American, 0.29%; 1 homozygote.

Submissions (2):

Labcorp Genetics (formerly Invitae), Labcorp
Classification: Benign. Last evaluated: 2024-09-16. Review status: criteria provided, single submitter. Criteria: Invitae Variant Classification Sherloc (09022015). Collection method: clinical testing. Allele origin: germline.

PreventionGenetics, part of Exact Sciences
Classification: Likely benign for KRT25-related condition. Last evaluated: 2019-06-12. Review status: no assertion criteria provided. Collection method: clinical testing. Allele origin: germline. Not counted in ClinVar's aggregate classification.
Comment: This variant is classified as likely benign based on ACMG/AMP sequence variant interpretation guidelines (Richards et al. 2015 PMID: 25741868, with internal and published modifications).